The following is an entry in ClinVar:

NM_030923.5(TMEM163):c.244C>A (p.Gln82Lys)

Gene: TMEM163 (transmembrane protein 163; minus strand). Cytogenetic location: 2q21.3.
Variant type: single nucleotide variant.
Coding change: c.244C>A on transcript NM_030923.5 (MANE Select); coding-DNA position 244, C replaced by A.
Protein change: p.Gln82Lys; replaces glutamine 82 with lysine.
Molecular consequence: missense variant.
Genome position (GRCh38, 1-based): chr2:134,713,278, G>T on the plus strand (C>A on the coding strand, the complement: TMEM163 is on the minus strand). VCF-style: chr2-134713278-G-T. GRCh37 (hg19) VCF-style: chr2-135470848-G-T.
Other names: short protein forms Q82K.
Identifiers: ClinVar variation 3365518 (VCV003365518.1).

ClinVar aggregate classification (germline): Uncertain significance (1 of 4 stars; one submission).

Submission:

GeneDx
Classification: Uncertain significance. Last evaluated: 2023-12-14. Review status: criteria provided, single submitter. Criteria: GeneDx Variant Classification Process June 2021. Collection method: clinical testing. Allele origin: germline. Affected: yes.
Comment: Has not been previously published as pathogenic or benign to our knowledge; Not observed at significant frequency in large population cohorts (gnomAD); In silico analysis supports that this missense variant does not alter protein structure/function.